The following is an entry in ClinVar:

ClinVar aggregate classification (germline): Uncertain significance (1 of 4 stars; one submission).

Submission:

CeGaT Center for Human Genetics Tuebingen
Classification: Uncertain significance. Last evaluated: 2024-11-01. Review status: criteria provided, single submitter. Criteria: CeGaT Center For Human Genetics Tuebingen Variant Classification Criteria Version 2. Collection method: clinical testing. Allele origin: germline. Affected: yes. Observed: 1 variant allele.
Comment: SCN1A: PM2, PM5:Supporting

NM_001165963.4(SCN1A):c.3640A>G (p.Ile1214Val)

Genes: SCN1A (sodium voltage-gated channel alpha subunit 1; minus strand), LOC102724058 (uncharacterized LOC102724058; plus strand). Cytogenetic location: 2q24.3.
Variant type: single nucleotide variant.
Coding change: c.3640A>G on transcript NM_001165963.4 (MANE Select); coding-DNA position 3640, A replaced by G.
Protein change: p.Ile1214Val; replaces isoleucine 1214 with valine.
Molecular consequence: missense variant. On other transcripts: non-coding transcript variant (1).
Genome position (GRCh38, 1-based): chr2:166,013,809, T>C on the plus strand (A>G on the coding strand, the complement: SCN1A is on the minus strand). VCF-style: chr2-166013809-T-C. GRCh37 (hg19) VCF-style: chr2-166870319-T-C.
Other names: c.3556A>G, p.Ile1186Val (NM_001165964.3, NM_001353957.2, NM_001353958.2); c.3640A>G, p.Ile1214Val (NM_001202435.3, NM_001353948.2); c.1198A>G, p.Ile400Val (NM_001353961.2); c.3607A>G, p.Ile1203Val (NM_006920.6, NM_001353949.2, NM_001353950.2 and 2 more transcripts); c.3604A>G, p.Ile1202Val (NM_001353954.2, NM_001353955.2); c.3553A>G, p.Ile1185Val (NM_001353960.2); short protein forms I1185V, I1186V, I1202V, I1203V, I1214V, I400V.
Identifiers: ClinVar variation 3390041 (VCV003390041.14).
Genomic context (GRCh38, chr2:166,013,809, plus strand): 5'-CACCACTACTAAGGAGAATCATGAAAACAATGAAGGTCTCAAACCAGTTATGTTCAACTA[T>C]TCGGAAACACGTCCTTCTCAGGTTCCACCATTGTTTTCCTCTGCCTTCTTCCACATTGAT-3'
Protein context (NP_001159435.1, residues 1204-1224): WWNLRRTCFR[Ile1214Val]VEHNWFETFI